The following is an entry in ClinVar:

NM_003244.4(TGIF1):c.243+3A>G

Gene: TGIF1 (TGFB induced factor homeobox 1; plus strand). Cytogenetic location: 18p11.31.
Variant type: single nucleotide variant.
Coding change: c.243+3A>G on transcript NM_003244.4 (MANE Select); 3 bases into the intron after coding-DNA position 243, A replaced by G.
Molecular consequence: intron variant.
Genome position (GRCh38, 1-based): chr18:3,456,583, A>G. VCF-style: chr18-3456583-A-G. GRCh37 (hg19) VCF-style: chr18-3456581-A-G.
Other names: c.183+3A>G (NM_174886.3, NM_001278686.3, NM_001374396.1 and 5 more transcripts); c.285+3A>G (NM_173207.4); c.252+3A>G (NM_001278682.2); c.243+3A>G (NM_173208.3, NM_001278684.2).
Identifiers: ClinVar variation 1307716 (VCV001307716.2), dbSNP rs2143407851, ClinGen allele CA2573054658.

ClinVar aggregate classification (germline): Uncertain significance (1 of 4 stars; one submission).

Submission:

GeneDx
Classification: Uncertain significance. Last evaluated: 2019-08-14. Review status: criteria provided, single submitter. Criteria: GeneDx Variant Classification Process June 2021. Collection method: clinical testing. Allele origin: germline. Affected: yes.
Comment: Not observed in large population cohorts (Lek et al., 2016); Has not been previously published as pathogenic or benign to our knowledge; In-silico analysis, which includes splice predictors and evolutionary conservation, is inconclusive as to whether the variant alters gene splicing. In the absence of RNA/functional studies, the actual effect of this sequence change is unknown.